The following is an entry in ClinVar:

NM_000535.7(PMS2):c.2089A>C (p.Ile697Leu)

Gene: PMS2 (PMS1 homolog 2, mismatch repair system component; minus strand). Cytogenetic location: 7p22.1.
Variant type: single nucleotide variant.
Coding change: c.2089A>C on transcript NM_000535.7 (MANE Select); coding-DNA position 2089, A replaced by C.
Protein change: p.Ile697Leu; replaces isoleucine 697 with leucine.
Molecular consequence: missense variant. On other transcripts: non-coding transcript variant (1).
Genome position (GRCh38, 1-based): chr7:5,982,909, T>G on the plus strand (A>C on the coding strand, the complement: PMS2 is on the minus strand). VCF-style: chr7-5982909-T-G. GRCh37 (hg19) VCF-style: chr7-6022540-T-G.
Other names: c.2089A>C (NM_000535.6); c.1684A>C, p.Ile562Leu (NM_001322003.2, NM_001322004.2, NM_001322005.2 and 1 more transcripts); c.1933A>C, p.Ile645Leu (NM_001322006.2); c.1771A>C, p.Ile591Leu (NM_001322007.2, NM_001322008.2); c.1528A>C, p.Ile510Leu (NM_001322010.2); c.1156A>C, p.Ile386Leu (NM_001322011.2, NM_001322012.2); c.1516A>C, p.Ile506Leu (NM_001322013.2); c.2089A>C, p.Ile697Leu (NM_001322014.2); and 1 more; short protein forms I386L, I506L, I562L, I594L, I697L, I510L, I591L, I645L.
Identifiers: ClinVar variation 959715 (VCV000959715.14), dbSNP rs1554295859, ClinGen allele CA366738021.

ClinVar aggregate classification (germline): Uncertain significance. Review status: criteria provided, multiple submitters, no conflicts (2 of 4 stars). 4 submissions from 4 submitters: Uncertain significance (4). Last evaluated 2025-01-09.

Conditions:
Hereditary nonpolyposis colorectal neoplasms. Identifiers: MedGen C0009405, MeSH D003123.
Hereditary cancer-predisposing syndrome. Also called: Tumor predisposition; Hereditary neoplastic syndrome; Neoplastic Syndromes, Hereditary; Hereditary Cancer Syndrome. Identifiers: Orphanet 140162, MedGen C0027672, MeSH D009386, MONDO:0015356.

Submissions (4):

Dasa
Classification: Uncertain significance. Last evaluated: 2025-01-09. Review status: criteria provided, single submitter. Criteria: DASA Assertion Criteria. Collection method: clinical testing. Allele origin: germline.
Comment: NM_000535.7(PMS2):c.2089A>C (p.Ile697Leu) is a missense variant that results in the substitution of isoleucine with leucine. This variant is absent from population databases. Computational prediction algorithms are consistent with a benign effect. The currently available literature and clinical evidence are not sufficient to establish a definitive association between this variant and the reported condition. Therefore, this variant is classified as a variant of uncertain significance.

Women's Health and Genetics/Laboratory Corporation of America, LabCorp
Classification: Uncertain significance. Last evaluated: 2023-09-17. Review status: criteria provided, single submitter. Criteria: LabCorp Variant Classification Summary - May 2015. Collection method: clinical testing. Allele origin: germline.

Ambry Genetics
Classification: Uncertain significance for Hereditary cancer-predisposing syndrome. Last evaluated: 2023-01-06. Review status: criteria provided, single submitter. Criteria: Ambry Variant Classification Scheme 2023. Collection method: clinical testing. Allele origin: germline.
Comment: The p.I697L variant (also known as c.2089A>C), located in coding exon 12 of the PMS2 gene, results from an A to C substitution at nucleotide position 2089. The isoleucine at codon 697 is replaced by leucine, an amino acid with highly similar properties. This amino acid position is conserved. In addition, this alteration is predicted to be tolerated by in silico analysis. Since supporting evidence is limited at this time, the clinical significance of this alteration remains unclear.

Labcorp Genetics (formerly Invitae), Labcorp
Classification: Uncertain significance for Hereditary nonpolyposis colorectal neoplasms. Last evaluated: 2019-11-11. Review status: criteria provided, single submitter. Criteria: Invitae Variant Classification Sherloc (09022015). Collection method: clinical testing. Allele origin: germline.
Comment: The frequency data for this variant in the population databases (ExAC) is considered unreliable due to the presence of homologous sequence, such as pseudogenes or paralogs, in the genome. This sequence change replaces isoleucine with leucine at codon 697 of the PMS2 protein (p.Ile697Leu). The isoleucine residue is moderately conserved and there is a small physicochemical difference between isoleucine and leucine. This variant has not been reported in the literature in individuals with PMS2-related disease. Algorithms developed to predict the effect of missense changes on protein structure and function output the following: SIFT: "Tolerated"; PolyPhen-2: "Benign"; Align-GVGD: "Class C0". The leucine amino acid residue is found in multiple mammalian species, suggesting that this missense change does not adversely affect protein function. These predictions have not been confirmed by published functional studies and their clinical significance is uncertain. In summary, the available evidence is currently insufficient to determine the role of this variant in disease. Therefore, it has been classified as a Variant of Uncertain Significance.